The following is an entry in ClinVar:

NM_000535.7(PMS2):c.721C>A (p.Pro241Thr)

Gene: PMS2 (PMS1 homolog 2, mismatch repair system component; minus strand). Cytogenetic location: 7p22.1.
Variant type: single nucleotide variant.
Coding change: c.721C>A on transcript NM_000535.7 (MANE Select); coding-DNA position 721, C replaced by A.
Protein change: p.Pro241Thr; replaces proline 241 with threonine.
Molecular consequence: missense variant. On other transcripts: 5 prime UTR variant (2), non-coding transcript variant (1), intron variant (3).
Genome position (GRCh38, 1-based): chr7:5,997,408, G>T on the plus strand (C>A on the coding strand, the complement: PMS2 is on the minus strand). VCF-style: chr7-5997408-G-T. GRCh37 (hg19) VCF-style: chr7-6037039-G-T.
Other names: c.403C>A, p.Pro135Thr (NM_001406883.1, NM_001322007.2, NM_001322008.2 and 4 more transcripts); c.553C>A, p.Pro185Thr (NM_001406884.1, NM_001406874.1); c.385C>A, p.Pro129Thr (NM_001406885.1); c.316C>A, p.Pro106Thr (NM_001406887.1, NM_001406888.1, NM_001406889.1 and 20 more transcripts); c.721C>A, p.Pro241Thr (NM_001322006.2, NM_001322014.2, NM_001406870.1 and 3 more transcripts); c.-213C>A (NM_001322011.2, NM_001322012.2); c.148C>A, p.Pro50Thr (NM_001322013.2, NM_001406909.1); c.412C>A, p.Pro138Thr (NM_001322015.2, NM_001406875.1, NM_001406877.1 and 6 more transcripts); and 7 more; short protein forms P106T, P135T, P249T, P129T, P185T, P241T, P303T, P205T.
Identifiers: ClinVar variation 2865915 (VCV002865915.3), dbSNP rs779411667, ClinGen allele CA366743769.

ClinVar aggregate classification (germline): Uncertain significance (1 of 4 stars; one submission).

Conditions:
Hereditary nonpolyposis colorectal neoplasms. Identifiers: MedGen C0009405, MeSH D003123.

Submission:

Labcorp Genetics (formerly Invitae), Labcorp
Classification: Uncertain significance for Hereditary nonpolyposis colorectal neoplasms. Last evaluated: 2023-09-27. Review status: criteria provided, single submitter. Criteria: Invitae Variant Classification Sherloc (09022015). Collection method: clinical testing. Allele origin: germline.
Comment: In summary, the available evidence is currently insufficient to determine the role of this variant in disease. Therefore, it has been classified as a Variant of Uncertain Significance. Advanced modeling of protein sequence and biophysical properties (such as structural, functional, and spatial information, amino acid conservation, physicochemical variation, residue mobility, and thermodynamic stability) performed at Invitae indicates that this missense variant is expected to disrupt PMS2 protein function. This variant has not been reported in the literature in individuals affected with PMS2-related conditions. This variant is not present in population databases (gnomAD no frequency). This sequence change replaces proline, which is neutral and non-polar, with threonine, which is neutral and polar, at codon 241 of the PMS2 protein (p.Pro241Thr).